The following is an entry in ClinVar:

ClinVar aggregate classification (germline): Conflicting classifications of pathogenicity. Review status: criteria provided, conflicting classifications (1 of 4 stars). 2 submissions from 1 submitter: Uncertain significance (1); Benign (1). Last evaluated 2018-01-13.

Conditions:
EAST syndrome (SESAMES). Also called: SEIZURES, SENSORINEURAL DEAFNESS, ATAXIA, IMPAIRED INTELLECTUAL DEVELOPMENT, AND ELECTROLYTE IMBALANCE. Identifiers: Orphanet 199343, MedGen C2748572, MONDO:0013005, OMIM 612780.
Autosomal recessive nonsyndromic hearing loss 4 (DFNB4). Also called: Deafness, autosomal recessive 4; NEUROSENSORY NONSYNDROMIC RECESSIVE DEAFNESS 4; FOXI1-Related Pendred Syndrome; KCNJ10-Related Pendred Syndrome; DEAFNESS, AUTOSOMAL RECESSIVE 4, WITH ENLARGED VESTIBULAR AQUEDUCT, DIGENIC; Nonsyndromic enlarged vestibular aqueduct (NSEVA). Identifiers: Orphanet 90636, MedGen C3538946, MONDO:0010933, OMIM 600791.

Allele frequency attached by ClinVar (database versions not stated): gnomAD 0.00118 and 0.00146; TOPMed 0.00216; 1000 Genomes Project 0.00599; 1000 Genomes Project 30x 0.00734.

Submissions (2):

Illumina Laboratory Services, Illumina
Classification: Benign for EAST syndrome. Last evaluated: 2018-01-13. Review status: criteria provided, single submitter. Criteria: ICSL Variant Classification Criteria 13 December 2019. Collection method: clinical testing. Allele origin: germline.
Comment: This variant was observed in the ICSL laboratory as part of a predisposition screen in an ostensibly healthy population. It had not been previously curated by ICSL or reported in the Human Gene Mutation Database (HGMD: prior to June 1st, 2018), and was therefore a candidate for classification through an automated scoring system. Utilizing variant allele frequency, disease prevalence and penetrance estimates, and inheritance mode, an automated score was calculated to assess if this variant is too frequent to cause the disease. Based on the score and internal cut-off values, a variant classified as benign is not then subjected to further curation. The score for this variant resulted in a classification of benign for this disease.

Illumina Laboratory Services, Illumina
Classification: Uncertain significance for Autosomal recessive nonsyndromic hearing loss 4. Last evaluated: 2018-01-13. Review status: criteria provided, single submitter. Criteria: ICSL Variant Classification Criteria 13 December 2019. Collection method: clinical testing. Allele origin: germline.

NM_002241.5(KCNJ10):c.*2148A>G

Gene: KCNJ10 (potassium inwardly rectifying channel subfamily J member 10; minus strand). Cytogenetic location: 1q23.2.
Variant type: single nucleotide variant.
Coding change: c.*2148A>G on transcript NM_002241.5 (MANE Select); 2148 bases downstream of the stop codon, A replaced by G.
Molecular consequence: 3 prime UTR variant.
Genome position (GRCh38, 1-based): chr1:160,039,245, T>C on the plus strand (A>G on the coding strand, the complement: KCNJ10 is on the minus strand). VCF-style: chr1-160039245-T-C. GRCh37 (hg19) VCF-style: chr1-160009035-T-C.
Identifiers: ClinVar variation 876372 (VCV000876372.4), dbSNP rs75282171, ClinGen allele CA31468248.
Genomic context (GRCh38, chr1:160,039,245, plus strand): 5'-AGCCTGGGTAATAATGGAGGAGATTCCAAAAGGGTAAGTCAGAAAATGTTTTCTTCTCAC[T>C]GTTTCATCCAAGAGTCTAGAGGCTTGAGTCTGGGGGCTTAGAATAGACAGCAGGGGAATG-3'